The following is an entry in ClinVar:

NM_001278689.2(EOGT):c.621-2A>T

Gene: EOGT (EGF domain specific O-linked N-acetylglucosamine transferase; minus strand). Cytogenetic location: 3p14.1.
Variant type: single nucleotide variant.
Coding change: c.621-2A>T on transcript NM_001278689.2 (MANE Select); the canonical splice acceptor site of the intron before coding-DNA position 621, A replaced by T.
Molecular consequence: splice acceptor variant.
Genome position (GRCh38, 1-based): chr3:69,001,716, T>A on the plus strand (A>T on the coding strand, the complement: EOGT is on the minus strand). VCF-style: chr3-69001716-T-A. GRCh37 (hg19) VCF-style: chr3-69050867-T-A.
Other names: c.621-2A>T (NM_173654.3).
Identifiers: ClinVar variation 2054176 (VCV002054176.5), dbSNP rs1312622774, ClinGen allele CA353467254.

ClinVar aggregate classification (germline): Pathogenic/Likely pathogenic. Review status: criteria provided, multiple submitters, no conflicts (2 of 4 stars). 2 submissions from 2 submitters: Pathogenic (1); Likely pathogenic (1). Last evaluated 2022-12-07.

Conditions:
Adams-Oliver syndrome 4 (AOS4). Identifiers: Orphanet 974, MedGen C3809092, MONDO:0014124, OMIM 615297.

Allele frequency attached by ClinVar (database versions not stated): gnomAD exomes below 0.00001; TOPMed below 0.00001.
gnomAD v4.1: 5 of 1,590,800 alleles (0.00031%); highest among the groups gnomAD compares: Non-Finnish European, 0.00034%; no homozygotes.

Submissions (2):

GeneDx
Classification: Pathogenic. Last evaluated: 2022-12-07. Review status: criteria provided, single submitter. Criteria: GeneDx Variant Classification Process June 2021. Collection method: clinical testing. Allele origin: germline. Affected: yes.
Comment: Canonical splice site variant predicted to result in a null allele in a gene for which loss of function is a known mechanism of disease; Not observed at significant frequency in large population cohorts (gnomAD); This variant is associated with the following publications: (PMID: 31654484)

Labcorp Genetics (formerly Invitae), Labcorp
Classification: Likely pathogenic for Adams-Oliver syndrome 4. Last evaluated: 2022-08-02. Review status: criteria provided, single submitter. Criteria: Invitae Variant Classification Sherloc (09022015). Collection method: clinical testing. Allele origin: germline.
Comment: In summary, the currently available evidence indicates that the variant is pathogenic, but additional data are needed to prove that conclusively. Therefore, this variant has been classified as Likely Pathogenic. Algorithms developed to predict the effect of sequence changes on RNA splicing suggest that this variant may disrupt the consensus splice site. Disruption of this splice site has been observed in individual(s) with clinical features of Adams-Oliver syndrome (PMID: 31654484). This variant is not present in population databases (gnomAD no frequency). This sequence change affects an acceptor splice site in intron 8 of the EOGT gene. It is expected to disrupt RNA splicing. Variants that disrupt the donor or acceptor splice site typically lead to a loss of protein function (PMID: 16199547), and loss-of-function variants in EOGT are known to be pathogenic (PMID: 23522784, 23860037).

Literature cited by the submitters: PubMed 31654484 (cited by Labcorp Genetics (formerly Invitae), Labcorp); PubMed 16199547 (cited by Labcorp Genetics (formerly Invitae), Labcorp); PubMed 23522784 (cited by Labcorp Genetics (formerly Invitae), Labcorp); PubMed 23860037 (cited by Labcorp Genetics (formerly Invitae), Labcorp).